The following is an entry in ClinVar:

NM_001377265.1(MAPT):c.1355G>A (p.Arg452His)

Gene: MAPT (microtubule associated protein tau). Cytogenetic location: 17q21.31.
Variant type: single nucleotide variant.
Coding change: c.1355G>A on transcript NM_001377265.1 (MANE Select); coding-DNA position 1355, G replaced by A.
Protein change: p.Arg452His; replaces arginine 452 with histidine.
Molecular consequence: missense variant. On other transcripts: non-coding transcript variant (1).
Genome position (GRCh38, 1-based): chr17:45,987,043, G>A. VCF-style: chr17-45987043-G-A. GRCh37 (hg19) VCF-style: chr17-44064409-G-A.
Other names: c.1130G>A, p.Arg377His (NM_001123066.4, NM_016835.5); c.290G>A, p.Arg97His (NM_001123067.4, NM_001203251.2, NM_001377267.1); c.377G>A, p.Arg126His (NM_001203252.2, NM_005910.6); c.1355G>A, p.Arg452His (NM_001377266.1); c.203G>A, p.Arg68His (NM_001377268.1, NM_016834.5, NM_016841.5); short protein forms R452H, R97H, R126H, R377H, R68H.
Identifiers: ClinVar variation 1416826 (VCV001416826.6), dbSNP rs200710643, ClinGen allele CA8617861.

ClinVar aggregate classification (germline): Uncertain significance (1 of 4 stars; one submission).

Conditions:
Frontotemporal dementia (FTD1). Also called: MULTIPLE SYSTEM TAUOPATHY WITH PRESENILE DEMENTIA; WILHELMSEN-LYNCH DISEASE; FRONTOTEMPORAL LOBAR DEGENERATION WITH TAU INCLUSIONS; FTLD WITH TAU INCLUSIONS; Dementia, frontotemporal, with or without parkinsonism; FRONTOTEMPORAL DEMENTIA WITH PARKINSONISM. Identifiers: Orphanet 282, MedGen C0338451, MONDO:0017276, OMIM 600274, HP:0002145.

Allele frequency attached by ClinVar (database versions not stated): gnomAD 0.00002 and 0.00003; ExAC 0.00006; 1000 Genomes Project 0.00040; 1000 Genomes Project 30x 0.00047.
gnomAD v4.1: 57 of 1,613,520 alleles (0.0035%); highest among the groups gnomAD compares: South Asian, 0.029%; no homozygotes.

Submission:

Labcorp Genetics (formerly Invitae), Labcorp
Classification: Uncertain significance for Frontotemporal dementia. Last evaluated: 2021-10-18. Review status: criteria provided, single submitter. Criteria: Invitae Variant Classification Sherloc (09022015). Collection method: clinical testing. Allele origin: germline.
Comment: In summary, the available evidence is currently insufficient to determine the role of this variant in disease. Therefore, it has been classified as a Variant of Uncertain Significance. Algorithms developed to predict the effect of missense changes on protein structure and function are either unavailable or do not agree on the potential impact of this missense change (SIFT: "Deleterious"; PolyPhen-2: "Probably Damaging"; Align-GVGD: "Class C0"). This missense change has been observed in individual(s) with clinical features of amyotrophic lateral sclerosis (PMID: 26601740). This variant is present in population databases (rs200710643, gnomAD 0.03%). This sequence change replaces arginine, a(n) basic and polar amino acid, with histidine, a(n) basic and polar amino acid, at codon 126 of the MAPT protein (p.Arg126His).

Literature cited by the submitters: PubMed 26601740.